The following is an entry in ClinVar:

NM_006231.4(POLE):c.3916G>A (p.Ala1306Thr)

Gene: POLE (DNA polymerase epsilon, catalytic subunit; minus strand). Cytogenetic location: 12q24.33.
Variant type: single nucleotide variant.
Coding change: c.3916G>A on transcript NM_006231.4 (MANE Select); coding-DNA position 3916, G replaced by A.
Protein change: p.Ala1306Thr; replaces alanine 1306 with threonine.
Molecular consequence: missense variant.
Genome position (GRCh38, 1-based): chr12:132,649,395, C>T on the plus strand (G>A on the coding strand, the complement: POLE is on the minus strand). VCF-style: chr12-132649395-C-T. GRCh37 (hg19) VCF-style: chr12-133225981-C-T.
Other names: c.3916G>A (NM_006231.2); short protein forms A1306T.
Identifiers: ClinVar variation 540679 (VCV000540679.11), dbSNP rs774219559, ClinGen allele CA6893052.
Genomic context (GRCh38, chr12:132,649,395, plus strand): 5'-TGCTGCGGGCAGTTCTTCGCAAGAAGCTCCCCAGCCCCGTGGCAGGACCATCCCGGATGG[C>T]CCCGGGCCTGAGCACACCCTCTGCCGACTCCAGACGCTGCCTCTTCCTGCGGGCGAGGCG-3'
Protein context (NP_006222.2, residues 1296-1316): ESAEGVLRPG[Ala1306Thr]IRDGPATGLG

ClinVar aggregate classification (germline): Uncertain significance. Review status: criteria provided, multiple submitters, no conflicts (2 of 4 stars). 2 submissions from 2 submitters: Uncertain significance (2). Last evaluated 2025-11-17.

Conditions:
Hereditary cancer-predisposing syndrome. Also called: Neoplastic Syndromes, Hereditary; Hereditary Cancer Syndrome; Hereditary neoplastic syndrome; Tumor predisposition. Identifiers: Orphanet 140162, MedGen C0027672, MeSH D009386, MONDO:0015356.

Allele frequency attached by ClinVar (database versions not stated): gnomAD exomes below 0.00001; ExAC 0.00001.
gnomAD v4.1: 1 of 1,613,314 alleles (0.000062%); highest among the groups gnomAD compares: East Asian, 0.0022%; no homozygotes.

Submissions (2):

Ambry Genetics
Classification: Uncertain significance for Hereditary cancer-predisposing syndrome. Last evaluated: 2025-11-17. Review status: criteria provided, single submitter. Criteria: Ambry Variant Classification Scheme 2023. Collection method: clinical testing. Allele origin: germline.
Comment: The p.A1306T variant (also known as c.3916G>A), located in coding exon 31 of the POLE gene, results from a G to A substitution at nucleotide position 3916. The alanine at codon 1306 is replaced by threonine, an amino acid with similar properties. This amino acid position is conserved. In addition, this alteration is predicted to be tolerated by in silico analysis. Since supporting evidence is limited at this time, the clinical significance of this alteration remains unclear.

Labcorp Genetics (formerly Invitae), Labcorp
Classification: Uncertain significance. Last evaluated: 2024-12-19. Review status: criteria provided, single submitter. Criteria: Invitae Variant Classification Sherloc (09022015). Collection method: clinical testing. Allele origin: germline.
Comment: This sequence change replaces alanine, which is neutral and non-polar, with threonine, which is neutral and polar, at codon 1306 of the POLE protein (p.Ala1306Thr). The frequency data for this variant in the population databases is considered unreliable, as metrics indicate poor data quality at this position in the gnomAD database. This variant has not been reported in the literature in individuals affected with POLE-related conditions. ClinVar contains an entry for this variant (Variation ID: 540679). Invitae Evidence Modeling of protein sequence and biophysical properties (such as structural, functional, and spatial information, amino acid conservation, physicochemical variation, residue mobility, and thermodynamic stability) indicates that this missense variant is not expected to disrupt POLE protein function with a negative predictive value of 80%. In summary, the available evidence is currently insufficient to determine the role of this variant in disease. Therefore, it has been classified as a Variant of Uncertain Significance.